The following is an entry in ClinVar:

ClinVar aggregate classification (germline): Uncertain significance (1 of 4 stars; one submission).

Conditions:
Charcot-Marie-Tooth disease type 2. Also called: Charcot-Marie-Tooth type 2. Identifiers: Orphanet 64746, MedGen C0270914, MONDO:0018993.

Submission:

Labcorp Genetics (formerly Invitae), Labcorp
Classification: Uncertain significance for Charcot-Marie-Tooth disease type 2. Last evaluated: 2023-12-19. Review status: criteria provided, single submitter. Criteria: Invitae Variant Classification Sherloc (09022015). Collection method: clinical testing. Allele origin: germline.
Comment: This sequence change replaces tyrosine, which is neutral and polar, with serine, which is neutral and polar, at codon 279 of the AARS protein (p.Tyr279Ser). This variant is not present in population databases (gnomAD no frequency). This variant has not been reported in the literature in individuals affected with AARS-related conditions. An algorithm developed to predict the effect of missense changes on protein structure and function (PolyPhen-2) suggests that this variant is likely to be disruptive. In summary, the available evidence is currently insufficient to determine the role of this variant in disease. Therefore, it has been classified as a Variant of Uncertain Significance.

NM_001605.3(AARS1):c.836A>C (p.Tyr279Ser)

Gene: AARS1 (alanyl-tRNA synthetase 1; minus strand). Cytogenetic location: 16q22.1.
Variant type: single nucleotide variant.
Coding change: c.836A>C on transcript NM_001605.3 (MANE Select); coding-DNA position 836, A replaced by C.
Protein change: p.Tyr279Ser; replaces tyrosine 279 with serine.
Molecular consequence: missense variant.
Genome position (GRCh38, 1-based): chr16:70,269,744, T>G on the plus strand (A>C on the coding strand, the complement: AARS1 is on the minus strand). VCF-style: chr16-70269744-T-G. GRCh37 (hg19) VCF-style: chr16-70303647-T-G.
Other names: short protein forms Y279S.
Identifiers: ClinVar variation 2763927 (VCV002763927.3), dbSNP rs1960352267, ClinGen allele CA396564896.